The following is an entry in ClinVar:

ClinVar aggregate classification (germline): Uncertain significance (1 of 4 stars; one submission).

Submission:

Women's Health and Genetics/Laboratory Corporation of America, LabCorp
Classification: Uncertain significance. Last evaluated: 2022-12-13. Review status: criteria provided, single submitter. Criteria: LabCorp Variant Classification Summary - May 2015. Collection method: clinical testing. Allele origin: germline.
Comment: Variant summary: AGXT c.1168_1169delAA (p.Lys390GlufsX22) causes a frameshift which results in an extension of the protein. The variant was absent in 213354 control chromosomes. The available data on variant occurrences in the general population are insufficient to allow any conclusion about variant significance. To our knowledge, no occurrence of c.1168_1169delAA in individuals affected with Primary Hyperoxaluria Type 1 and no experimental evidence demonstrating its impact on protein function have been reported. No clinical diagnostic laboratories have submitted clinical-significance assessments for this variant to ClinVar after 2014. Based on the evidence outlined above, the variant was classified as uncertain significance.

NM_000030.3(AGXT):c.1168_1169del (p.Lys390fs)

Gene: AGXT (alanine--glyoxylate aminotransferase; plus strand). Cytogenetic location: 2q37.3.
Variant type: Deletion.
Coding change: c.1168_1169del on transcript NM_000030.3 (MANE Select); coding-DNA positions 1168 to 1169, 2 bases deleted (AA; older notation c.1168_1169delAA).
Protein change: p.Lys390fs; shifts the reading frame from lysine 390.
Molecular consequence: frameshift variant.
Genome position (GRCh38, 1-based): chr2:240,878,810-240,878,811, AA deleted. VCF-style (leftmost placement, unchanged base first): chr2-240878809-GAA-G. GRCh37 (hg19) VCF-style: chr2-241818226-GAA-G.
Other names: short protein forms K390fs.
Identifiers: ClinVar variation 1878292 (VCV001878292.1), dbSNP rs2528766738, ClinGen allele CA2580067997.